The following is an entry in ClinVar:

ClinVar aggregate classification (germline): Uncertain significance (1 of 4 stars; one submission).

Conditions:
LAMA2-related muscular dystrophy (LAMA2-RD). Also called: Laminin alpha 2-related dystrophy. Identifiers: MedGen C5679788, MONDO:0100228.

Allele frequency attached by ClinVar (database versions not stated): gnomAD exomes below 0.00001 and 0.00001; gnomAD 0.00001; TOPMed 0.00001; ExAC 0.00002.
gnomAD v4.1: 15 of 1,613,062 alleles (0.00093%); highest among the groups gnomAD compares: Admixed American, 0.005%; no homozygotes.

Submission:

Labcorp Genetics (formerly Invitae), Labcorp
Classification: Uncertain significance for LAMA2-related muscular dystrophy. Last evaluated: 2022-07-12. Review status: criteria provided, single submitter. Criteria: Invitae Variant Classification Sherloc (09022015). Collection method: clinical testing. Allele origin: germline.
Comment: This sequence change replaces asparagine, which is neutral and polar, with serine, which is neutral and polar, at codon 1836 of the LAMA2 protein (p.Asn1836Ser). This variant is present in population databases (rs753953549, gnomAD 0.0009%). This variant has not been reported in the literature in individuals affected with LAMA2-related conditions. ClinVar contains an entry for this variant (Variation ID: 967731). Advanced modeling of protein sequence and biophysical properties (such as structural, functional, and spatial information, amino acid conservation, physicochemical variation, residue mobility, and thermodynamic stability) performed at Invitae indicates that this missense variant is not expected to disrupt LAMA2 protein function. In summary, the available evidence is currently insufficient to determine the role of this variant in disease. Therefore, it has been classified as a Variant of Uncertain Significance.

NM_000426.4(LAMA2):c.5507A>G (p.Asn1836Ser)

Gene: LAMA2 (laminin subunit alpha 2; plus strand). Cytogenetic location: 6q22.33.
Variant type: single nucleotide variant.
Coding change: c.5507A>G on transcript NM_000426.4 (MANE Select); coding-DNA position 5507, A replaced by G.
Protein change: p.Asn1836Ser; replaces asparagine 1836 with serine.
Molecular consequence: missense variant.
Genome position (GRCh38, 1-based): chr6:129,401,285, A>G. VCF-style: chr6-129401285-A-G. GRCh37 (hg19) VCF-style: chr6-129722430-A-G.
Other names: c.5507A>G, p.Asn1836Ser (NM_001079823.2); short protein forms N1836S.
Identifiers: ClinVar variation 967731 (VCV000967731.6), dbSNP rs753953549, ClinGen allele CA3993898.
Genomic context (GRCh38, chr6:129,401,285, plus strand): 5'-AAAAGAAGGAGGCTGTTGAAAGCGGCAAACGACAAATTGAGAACACTTTAAAAGAGGGCA[A>G]TGACATACTCGATGAAGCCAACCGTCTTGCAGATGAAATCAACTCCATCATAGACGTGAG-3'
Protein context (NP_000417.3, residues 1826-1846): RQIENTLKEG[Asn1836Ser]DILDEANRLA